The following is an entry in ClinVar:

ClinVar aggregate classification (germline): Likely benign. Review status: reviewed by expert panel (3 of 4 stars). 6 submissions from 6 submitters: Likely benign (1). 5 of the submissions do not count toward it. Last evaluated 2017-06-29.

Conditions:
Hereditary cancer-predisposing syndrome. Also called: Tumor predisposition; Hereditary Cancer Syndrome; Neoplastic Syndromes, Hereditary; Hereditary neoplastic syndrome. Identifiers: Orphanet 140162, MedGen C0027672, MeSH D009386, MONDO:0015356.
Hereditary breast ovarian cancer syndrome. Also called: Hereditary breast and/or ovarian cancer syndrome; BRCA1- and BRCA2-Associated Hereditary Breast and Ovarian Cancer; Hereditary breast and ovarian cancer; Hereditary breast and ovarian cancer syndrome (HBOC); Breast and ovarian cancer; Hereditary breast and ovarian cancer syndrome. Identifiers: Orphanet 145, MedGen C0677776, MeSH D061325, MONDO:0003582. Disease mechanism: loss of function.
Breast-ovarian cancer, familial, susceptibility to, 2 (BROVCA2). Also called: BRCA2 Hereditary Breast and Ovarian Cancer. Identifiers: Orphanet 145, MedGen C2675520, MONDO:0012933, OMIM 612555. Disease mechanism: loss of function.

Allele frequency attached by ClinVar (database versions not stated): gnomAD exomes 0.00001 and 0.00003; ExAC 0.00003.
gnomAD v4.1: 17 of 1,613,844 alleles (0.0011%); highest among the groups gnomAD compares: South Asian, 0.018%; no homozygotes.

Submissions (6):

Evidence-based Network for the Interpretation of Germline Mutant Alleles (ENIGMA)
Classification: Likely benign for Breast-ovarian cancer, familial, susceptibility to, 2. Last evaluated: 2017-06-29. Review status: reviewed by expert panel. Criteria: ENIGMA BRCA1/2 Classification Criteria (2017-06-29). Collection method: curation. Allele origin: germline.
Comment: Synonymous substitution variant, with low bioinformatic likelihood to result in a splicing aberration (Splicing prior probability 0.02).

Labcorp Genetics (formerly Invitae), Labcorp
Classification: Likely benign for Hereditary breast ovarian cancer syndrome. Last evaluated: 2025-10-13. Review status: criteria provided, single submitter. Criteria: Invitae Variant Classification Sherloc (09022015). Collection method: clinical testing. Allele origin: germline. Not counted in ClinVar's aggregate classification.

Ambry Genetics
Classification: Benign for Hereditary cancer-predisposing syndrome. Last evaluated: 2021-06-03. Review status: criteria provided, single submitter. Criteria: Ambry Variant Classification Scheme 2023. Collection method: clinical testing. Allele origin: germline. Not counted in ClinVar's aggregate classification.

Color Diagnostics, LLC DBA Color Health
Classification: Likely benign for Hereditary cancer-predisposing syndrome. Last evaluated: 2020-04-06. Review status: criteria provided, single submitter. Criteria: ACMG Guidelines, 2015. Collection method: clinical testing. Allele origin: germline. Not counted in ClinVar's aggregate classification.

GeneDx
Classification: Likely benign. Last evaluated: 2018-04-16. Review status: criteria provided, single submitter. Criteria: GeneDx Variant Classification (06012015). Collection method: clinical testing. Allele origin: germline. Affected: yes. Not counted in ClinVar's aggregate classification.
Comment: This variant is considered likely benign or benign based on one or more of the following criteria: it is a conservative change, it occurs at a poorly conserved position in the protein, it is predicted to be benign by multiple in silico algorithms, and/or has population frequency not consistent with disease.

Counsyl
Classification: Likely benign for Breast-ovarian cancer, familial, susceptibility to, 2. Last evaluated: 2017-02-28. Review status: no assertion criteria provided. Collection method: clinical testing. Allele origin: unknown. Not counted in ClinVar's aggregate classification.

NM_000059.4(BRCA2):c.747T>A (p.Ser249=)

Gene: BRCA2 (BRCA2 DNA repair associated; plus strand). Cytogenetic location: 13q13.1.
Variant type: single nucleotide variant.
Coding change: c.747T>A on transcript NM_000059.4 (MANE Select); coding-DNA position 747, T replaced by A.
Protein change: p.Ser249=; no amino-acid change (serine 249 retained).
Molecular consequence: synonymous variant.
Genome position (GRCh38, 1-based): chr13:32,330,984, T>A. VCF-style: chr13-32330984-T-A. GRCh37 (hg19) VCF-style: chr13-32905121-T-A.
Identifiers: ClinVar variation 216257 (VCV000216257.18), dbSNP rs767165913, ClinGen allele CA338591.